The following is an entry in ClinVar:

NM_014874.4(MFN2):c.493C>T (p.His165Tyr)

Gene: MFN2 (mitofusin 2; plus strand). Cytogenetic location: 1p36.22.
Variant type: single nucleotide variant.
Coding change: c.493C>T on transcript NM_014874.4 (MANE Select); coding-DNA position 493, C replaced by T.
Protein change: p.His165Tyr; replaces histidine 165 with tyrosine.
Molecular consequence: missense variant.
Genome position (GRCh38, 1-based): chr1:11,997,315, C>T. VCF-style: chr1-11997315-C-T. GRCh37 (hg19) VCF-style: chr1-12057372-C-T.
Other names: c.493C>T, p.His165Tyr (NM_001127660.2); short protein forms H165Y.
Identifiers: ClinVar variation 439897 (VCV000439897.17), dbSNP rs119103262, ClinGen allele CA338436254.

ClinVar aggregate classification (germline): Pathogenic. Review status: criteria provided, multiple submitters, no conflicts (2 of 4 stars). 3 submissions from 3 submitters: Pathogenic (2). 1 of the submissions does not count toward it. Last evaluated 2025-05-11.

Conditions:
Charcot-Marie-Tooth disease. Also called: Charcot-Marie-Tooth Neuropathy; Charcot-Marie-Tooth Hereditary Neuropathy. Identifiers: Orphanet 166, MedGen C0007959, MONDO:0015626.
Charcot-Marie-Tooth disease type 2. Also called: Charcot-Marie-Tooth type 2. Identifiers: Orphanet 64746, MedGen C0270914, MONDO:0018993.

Submissions (3):

Labcorp Genetics (formerly Invitae), Labcorp
Classification: Pathogenic for Charcot-Marie-Tooth disease type 2. Last evaluated: 2025-05-11. Review status: criteria provided, single submitter. Criteria: Invitae Variant Classification Sherloc (09022015). Collection method: clinical testing. Allele origin: germline.
Comment: This sequence change replaces histidine, which is basic and polar, with tyrosine, which is neutral and polar, at codon 165 of the MFN2 protein (p.His165Tyr). This variant is not present in population databases (gnomAD no frequency). This missense change has been observed in individuals with MFN2-related conditions (PMID: 16714318, 24126688, 27549087). It has also been observed to segregate with disease in related individuals. ClinVar contains an entry for this variant (Variation ID: 439897). Invitae Evidence Modeling of protein sequence and biophysical properties (such as structural, functional, and spatial information, amino acid conservation, physicochemical variation, residue mobility, and thermodynamic stability) indicates that this missense variant is expected to disrupt MFN2 protein function with a positive predictive value of 95%. This variant disrupts the p.His165 amino acid residue in MFN2. Other variant(s) that disrupt this residue have been determined to be pathogenic (PMID: 16714318, 16835246, 17309650, 24819634). This suggests that this residue is clinically significant, and that variants that disrupt this residue are likely to be disease-causing. For these reasons, this variant has been classified as Pathogenic.

ARUP Laboratories, Molecular Genetics and Genomics, ARUP Laboratories
Classification: Pathogenic. Last evaluated: 2017-01-26. Review status: criteria provided, single submitter. Criteria: ARUP Molecular Germline Variant Investigation Process. Collection method: clinical testing. Allele origin: germline.

Inherited Neuropathy Consortium
Classification: Uncertain significance for Charcot-Marie-Tooth disease. Review status: no assertion criteria provided. Collection method: literature only. Allele origin: germline. Affected: yes. Not counted in ClinVar's aggregate classification.

Literature cited by the submitters: PubMed 16714318 (cited by Labcorp Genetics (formerly Invitae), Labcorp and Inherited Neuropathy Consortium); PubMed 24126688 (cited by Labcorp Genetics (formerly Invitae), Labcorp); PubMed 27549087 (cited by Labcorp Genetics (formerly Invitae), Labcorp); PubMed 16835246 (cited by Labcorp Genetics (formerly Invitae), Labcorp); PubMed 17309650 (cited by Labcorp Genetics (formerly Invitae), Labcorp); PubMed 24819634 (cited by Labcorp Genetics (formerly Invitae), Labcorp).